The following is an entry in ClinVar:

NM_145046.5(CALR3):c.733G>A (p.Gly245Ser)

Gene: CALR3 (calreticulin 3; minus strand). Cytogenetic location: 19p13.11.
Variant type: single nucleotide variant.
Coding change: c.733G>A on transcript NM_145046.5 (MANE Select); coding-DNA position 733, G replaced by A.
Protein change: p.Gly245Ser; replaces glycine 245 with serine.
Molecular consequence: missense variant.
Genome position (GRCh38, 1-based): chr19:16,482,731, C>T on the plus strand (G>A on the coding strand, the complement: CALR3 is on the minus strand). VCF-style: chr19-16482731-C-T. GRCh37 (hg19) VCF-style: chr19-16593542-C-T.
Other names: short protein forms G245S.
Identifiers: ClinVar variation 956606 (VCV000956606.10), dbSNP rs753917463, ClinGen allele CA9278306.

ClinVar aggregate classification (germline): Uncertain significance (1 of 4 stars; one submission).

Conditions:
Hypertrophic cardiomyopathy 19. Also called: Familial hypertrophic cardiomyopathy 19. Identifiers: MedGen CN077603, MONDO:0013476.

Allele frequency attached by ClinVar (database versions not stated): gnomAD exomes 0.00001; ExAC 0.00002.
gnomAD v4.1: 20 of 1,613,924 alleles (0.0012%); highest among the groups gnomAD compares: South Asian, 0.0033%; no homozygotes.

Submission:

Labcorp Genetics (formerly Invitae), Labcorp
Classification: Uncertain significance for Hypertrophic cardiomyopathy 19. Last evaluated: 2019-07-10. Review status: criteria provided, single submitter. Criteria: Invitae Variant Classification Sherloc (09022015). Collection method: clinical testing. Allele origin: germline.
Comment: This sequence change replaces glycine with serine at codon 245 of the CALR3 protein (p.Gly245Ser). The glycine residue is weakly conserved and there is a small physicochemical difference between glycine and serine. In summary, the available evidence is currently insufficient to determine the role of this variant in disease. Therefore, it has been classified as a Variant of Uncertain Significance. Algorithms developed to predict the effect of missense changes on protein structure and function output the following: SIFT: "Tolerated"; PolyPhen-2: "Benign"; Align-GVGD: "Class C0". The serine amino acid residue is found in multiple mammalian species, suggesting that this missense change does not adversely affect protein function. These predictions have not been confirmed by published functional studies and their clinical significance is uncertain. This variant has not been reported in the literature in individuals with CALR3-related conditions. This variant is present in population databases (rs753917463, ExAC 0.01%).